The following is an entry in ClinVar:

ClinVar aggregate classification (germline): Uncertain significance (1 of 4 stars; one submission).

Conditions:
Beckwith-Wiedemann syndrome (BWS). Also called: EMG SYNDROME; Exomphalos macroglossia gigantism syndrome. Identifiers: Orphanet 116, MedGen C0004903, MONDO:0007534, OMIM 130650.

Submission:

Labcorp Genetics (formerly Invitae), Labcorp
Classification: Uncertain significance for Beckwith-Wiedemann syndrome. Last evaluated: 2018-04-30. Review status: criteria provided, single submitter. Criteria: Invitae Variant Classification Sherloc (09022015). Collection method: clinical testing. Allele origin: germline.
Comment: In summary, the available evidence is currently insufficient to determine the role of this variant in disease. Therefore, it has been classified as a Variant of Uncertain Significance. Algorithms developed to predict the effect of sequence changes on RNA splicing suggest that this variant may create or strengthen a splice site, but this prediction has not been confirmed by published transcriptional studies. This variant has not been reported in the literature in individuals with CDKN1C-related disease. While this variant is not present in population databases, the frequency information is unreliable, as metrics indicate poor data quality at this position in the ExAC database. This sequence change replaces leucine with glutamine at codon 178 of the CDKN1C protein (p.Leu178Gln). The leucine residue is weakly conserved and there is a moderate physicochemical difference between leucine and glutamine.

NM_001122630.2(CDKN1C):c.500T>A (p.Leu167Gln)

Gene: CDKN1C (cyclin dependent kinase inhibitor 1C; minus strand). Cytogenetic location: 11p15.4.
Variant type: single nucleotide variant.
Coding change: c.500T>A on transcript NM_001122630.2 (MANE Select); coding-DNA position 500, T replaced by A.
Protein change: p.Leu167Gln; replaces leucine 167 with glutamine.
Molecular consequence: missense variant. On other transcripts: intron variant (1).
Genome position (GRCh38, 1-based): chr11:2,884,957, A>T on the plus strand (T>A on the coding strand, the complement: CDKN1C is on the minus strand). VCF-style: chr11-2884957-A-T. GRCh37 (hg19) VCF-style: chr11-2906187-A-T.
Other names: c.533T>A, p.Leu178Gln (NM_000076.2, NM_001362474.2, LRG_533t1); c.500T>A, p.Leu167Gln (NM_001122631.2); c.255+245T>A (NM_001362475.2); short protein forms L178Q, L167Q.
Identifiers: ClinVar variation 569916 (VCV000569916.8), dbSNP rs1060500177, ClinGen allele CA379146515.
Genomic context (GRCh38, chr11:2,884,957, plus strand): 5'-GGGGCCGCGACTGGAGCCGGGGCCGGAGCCGGAGCCGGAGCCGGGGCCGGGGCCGGGGCC[A>T]GGACCGCGACCGCGACCGGAGCCGCGACCGGAGCCGCGACCGGAGCCGGAGCCGGGGCCG-3'
Protein context (NP_001116102.1, residues 157-177): PVAAPVAVAV[Leu167Gln]APAPAPAPAP